The following is an entry in ClinVar:

NM_001276345.2(TNNT2):c.526A>G (p.Arg176Gly)

Gene: TNNT2 (troponin T2, cardiac type; minus strand). Cytogenetic location: 1q32.1.
Variant type: single nucleotide variant.
Coding change: c.526A>G on transcript NM_001276345.2 (MANE Select); coding-DNA position 526, A replaced by G.
Protein change: p.Arg176Gly; replaces arginine 176 with glycine.
Molecular consequence: missense variant.
Genome position (GRCh38, 1-based): chr1:201,363,370, T>C on the plus strand (A>G on the coding strand, the complement: TNNT2 is on the minus strand). VCF-style: chr1-201363370-T-C. GRCh37 (hg19) VCF-style: chr1-201332498-T-C.
Other names: p.R166G:AGG>GGG; c.526A>G, p.Arg176Gly (NM_000364.4); c.496A>G, p.Arg166Gly (NM_001001430.3, NM_001001431.3, NM_001276347.2); c.481A>G, p.Arg161Gly (NM_001001432.3); c.406A>G, p.Arg136Gly (NM_001276346.2); short protein forms R166G, R176G, R136G, R161G.
Identifiers: ClinVar variation 181622 (VCV000181622.2), dbSNP rs730881104, ClinGen allele CA004675.

ClinVar aggregate classification (germline): Likely pathogenic (1 of 4 stars; one submission).

Submission:

GeneDx
Classification: Likely pathogenic. Last evaluated: 2014-02-28. Review status: criteria provided, single submitter. Criteria: GeneDx Variant Classification (06012015). Collection method: clinical testing. Allele origin: germline. Affected: yes.
Comment: p.Arg166Gly (AGG>GGG): c.496 A>G in exon 11 of the TNNT2 gene (NM_001001430.1). A missense variant that is likely pathogenic was identified in the TNNT2 gene. It has not been published as a mutation, nor has it been reported as a benign polymorphism to our knowledge. The R166G variant was not observed in approximately 6,500 individuals of European and African American ancestry in the NHLBI Exome Sequencing Project, indicating it is not a common benign variant in these populations. The R166G variant is a non-conservative amino acid substitution, which is likely to impact secondary protein structure as these residues differ in polarity, charge, size and/or other properties. This substitution occurs at a position that is class conserved across species. In silico analysis predicts this variant is probably damaging to the protein structure/function. Missense mutations in nearby residues (E163K, A172S, R173W, R173Q) have been reported in association with cardiomyopathy, supporting the functional importance of this region of the protein. Therefore, this variant is a strong candidate for a pathogenic mutation, however the possibility that it is a benign variant cannot be excluded. Hereditary dilated cardiomyopathy (DCM) is primarily an autosomal dominant disease characterized by left ventricular enlargement and systolic dysfunction in the absence of other cardiac, systemic or environmental causes (Hershberger R et al., 2009). Left ventricular noncompaction (LVNC) is a rare cardiomyopathy characterized by deep trabeculations with intertrabecular recesses in the ventricular wall (Callis T et al., 2010). LVNC and DCM can lead to progressive deterioration of cardiac function, arrhythmias, and sudden cardiac death, although some individuals may be asymptomatic. Hereditary DCM is most frequently caused by mutations in genes encoding for sarcomeric proteins in the cardiac muscle, or in the gene encoding the nuclear envelope protein lamin A/C (LMNA). Less commonly, DCM and LVNC can be caused by mutations in genes associated with metabolic or mitochondrial disorders (Callis T et al., 2010; Hershberger R et al., 2009). Mutations in the TNNT2 gene have been reported in 5-15% of patients with autosomal dominant familial hypertrophic cardiomyopathy, often characterized by minimal left ventricular hypertrophy (LVH) but a high incidence of sudden cardiac death (Moolman J et al., 1997; Cirino A et al., 2011). Mutations in TNNT2 have been reported less frequently in association with autosomal dominant familial dilated cardiomyopathy (Hershberger R et al., 2009). The variant is found in DCM-CRDM panel(s).